The following is an entry in ClinVar:

NM_014233.4(UBTF):c.1413C>G (p.Pro471=)

Genes: ATXN7L3-AS1 (ATXN7L3 antisense RNA 1; plus strand), UBTF (upstream binding transcription factor; minus strand), LOC121587595 (Sharpr-MPRA regulatory region 7848; plus strand). Cytogenetic location: 17q21.31.
Variant type: single nucleotide variant.
Coding change: c.1413C>G on transcript NM_014233.4 (MANE Select); coding-DNA position 1413, C replaced by G.
Protein change: p.Pro471=; no amino-acid change (proline 471 retained).
Molecular consequence: synonymous variant. On other transcripts: non-coding transcript variant (1).
Genome position (GRCh38, 1-based): chr17:44,210,420, G>C on the plus strand (C>G on the coding strand, the complement: UBTF is on the minus strand). VCF-style: chr17-44210420-G-C. GRCh37 (hg19) VCF-style: chr17-42287788-G-C.
Other names: c.1302C>G, p.Pro434= (NM_001076683.2, NM_001076684.3).
Identifiers: ClinVar variation 3772314 (VCV003772314.13).
Genomic context (GRCh38, chr17:44,210,420, plus strand): 5'-GATCTCCTCAGCTCTTTTGGGGGACTCGGGCAGCTTGCCCCGTTCCTCGCGCTCCCCGCC[G>C]GGCTTCCTCTCCGACTGAGCCTTGAGCGCCGCCTCTCGGGCCTTGTACTTGGCCTGCGGG-3'
Protein context (NP_055048.1, residues 461-481): AALKAQSERK[Pro471=]GGEREERGKL

ClinVar aggregate classification (germline): Likely benign (1 of 4 stars; one submission).

gnomAD v4.1: 1 of 1,613,914 alleles (0.000062%); highest among the groups gnomAD compares: East Asian, 0.0022%; no homozygotes.

Submission:

CeGaT Center for Human Genetics Tuebingen
Classification: Likely benign. Last evaluated: 2025-01-01. Review status: criteria provided, single submitter. Criteria: CeGaT Center For Human Genetics Tuebingen Variant Classification Criteria Version 2. Collection method: clinical testing. Allele origin: germline. Affected: yes. Observed: 1 variant allele.
Comment: UBTF: BP4, BP7